The following continues an entry in ClinVar:

NM_058216.3(RAD51C):c.134A>G (p.Glu45Gly)

Gene: RAD51C. ClinVar aggregate classification (germline): Conflicting classifications of pathogenicity. Uncertain significance (13); Benign (1); Likely benign (3).

Submissions 11 to 19 of 19:

St. Jude Molecular Pathology, St. Jude Children's Research Hospital
Classification: Uncertain significance for Breast-ovarian cancer, familial, susceptibility to, 3. Last evaluated: 2023-08-21. Review status: criteria provided, single submitter. Criteria: St. Jude Assertion Criteria 2020. Collection method: clinical testing. Allele origin: germline.
Comment: The RAD51C c.134A>G (p.Glu45Gly) missense change has a maximum subpopulation frequency of 0.12% in gnomAD v2.1.1. The in silico tool REVEL predicts a benign effect on protein function, but to our knowledge this prediction has not been confirmed by functional studies. This variant has been reported in individuals with a personal and/or family history of breast and ovarian cancer (PMID: 21537932, 22451500, 25470109, 26689913). In a large case-control study, this variant was reported in 3 of 60,466 individuals with breast cancer and in 0 of 53,461 control individuals (PMID: 33471991). It has also been identified in an individual with clear cell renal cell carcinoma (PMID: 26689913). This variant is present as heterozygous in two individuals in a database of women older than 70 years of age who have never had cancer (FLOSSIES database). To our knowledge, this variant has not been reported in individuals with Fanconi anemia. In summary, the evidence currently available is insufficient to determine the clinical significance of this variant. It has therefore been classified as of uncertain significance.

Myriad Genetics, Inc.
Classification: Likely benign for Breast-ovarian cancer, familial, susceptibility to, 3. Last evaluated: 2023-04-05. Review status: criteria provided, single submitter. Criteria: Myriad Autosomal Dominant, Autosomal Recessive and X-Linked Classification Criteria (2023). Collection method: clinical testing. Allele origin: unknown.
Comment: This variant is considered likely benign. This variant is strongly associated with less severe personal and family histories of cancer, typical for individuals without pathogenic variants in this gene [PMID: 25085752].

Institute for Biomarker Research, Medical Diagnostic Laboratories, L.L.C.
Classification: Uncertain significance for Hereditary breast ovarian cancer syndrome. Last evaluated: 2023-01-10. Review status: criteria provided, single submitter. Criteria: ACMG Guidelines, 2015. Collection method: clinical testing. Allele origin: germline.

Blueprint Genetics
Classification: Uncertain significance. Last evaluated: 2022-07-05. Review status: criteria provided, single submitter. Criteria: ACMG Guidelines, 2015. Collection method: clinical testing. Allele origin: germline.

Department of Pathology and Laboratory Medicine, Sinai Health System
Classification: Uncertain significance for Breast-ovarian cancer, familial, susceptibility to, 3. Last evaluated: 2022-04-22. Review status: criteria provided, single submitter. Criteria: ACMG Guidelines, 2015. Collection method: clinical testing. Allele origin: germline. Affected: yes.

Sema4
Classification: Uncertain significance for Hereditary cancer-predisposing syndrome. Last evaluated: 2021-11-18. Review status: criteria provided, single submitter. Criteria: Sema4 Curation Guidelines. Collection method: curation. Allele origin: germline.
Comment: The RAD51C c.134A>G (p.E45G) variant has been reported in at least four individuals with breast cancer (PMID: 21537932, 22451500, 33471991) and in an individual with clear cell renal cell carcinoma (PMID: 26689913). It was observed in 12/10078 chromosomes of the Ashkenazi Jewish subpopulation, with 0 homozygotes, in the large and broad cohorts of the Genome Aggregation Database. The variant has been reported in ClinVar (Variation ID 140940). In silico tools suggest the impact of the variant on protein function is benign, though these predictions have not been confirmed by functional studies. The evidence is insufficient to meet ACMG/AMP criteria for classifying the variant as benign or pathogenic. Thus, the clinical significance of this variant is currently uncertain.

CHEO Genetics Diagnostic Laboratory, Children's Hospital of Eastern Ontario
Classification: Uncertain significance for Breast and/or ovarian cancer. Last evaluated: 2021-03-20. Review status: criteria provided, single submitter. Criteria: ACMG Guidelines, 2015. Collection method: clinical testing. Allele origin: germline.

Counsyl
Classification: Uncertain significance for Fanconi anemia complementation group O. Last evaluated: 2016-10-05. Review status: no assertion criteria provided. Collection method: clinical testing. Allele origin: unknown. Not counted in ClinVar's aggregate classification.

Counsyl
Classification: Uncertain significance for Breast-ovarian cancer, familial, susceptibility to, 3. Last evaluated: 2016-10-05. Review status: no assertion criteria provided. Collection method: clinical testing. Allele origin: unknown. Not counted in ClinVar's aggregate classification.

Literature cited by the submitters: PubMed 21537932 (cited by 6 submitters); PubMed 26689913 (cited by 7 submitters); PubMed 34326862 (cited by 3 submitters); PubMed 37253112 (cited by 4 submitters); PubMed 33471991 (cited by 3 submitters); PubMed 22451500 (cited by 5 submitters); PubMed 25470109 (cited by Women's Health and Genetics/Laboratory Corporation of America, LabCorp); PubMed 23117857 (cited by Women's Health and Genetics/Laboratory Corporation of America, LabCorp); PubMed 25085752 (cited by Myriad Genetics, Inc.).